The following is an entry in ClinVar:

ClinVar aggregate classification (germline): Conflicting classifications of pathogenicity. Review status: criteria provided, conflicting classifications (1 of 4 stars). 4 submissions from 4 submitters: Likely pathogenic (3); Uncertain significance (1). Last evaluated 2026-01-24.

Conditions:
Argininosuccinate lyase deficiency. Also called: Argininosuccinic aciduria; ARGININOSUCCINIC ACID LYASE DEFICIENCY; ASL DEFICIENCY. Identifiers: Orphanet 23, MedGen C0268547, MONDO:0008815, OMIM 207900, HP:0025630.

Allele frequency attached by ClinVar (database versions not stated): gnomAD exomes below 0.00001.

Submissions (4):

Natera, Inc.
Classification: Likely pathogenic for Argininosuccinate lyase deficiency. Last evaluated: 2026-01-24. Review status: criteria provided, single submitter. Criteria: Natera Variant Classification Schema (03/2026). Collection method: clinical testing. Allele origin: germline.
Comment: The c.311C>T variant in ASL is a missense variant predicted to cause substitution of alanine to valine at amino acid 104. This variant is rare in the general population with a frequency below the threshold expected for the associated phenotype(s). This variant has been observed in one or more individuals affected with the associated recessive disease, as either homozygous or compound heterozygous with a second variant (PMID: 32447331, 24166829). This variant has been identified in one or more affected individuals with a phenotype highly consistent with the associated gene (PMID: 32447331, 24166829). Computational prediction algorithms indicate this variant is likely to affect gene or protein function. Given the available evidence, this variant is classified as Likely Pathogenic.

Women's Health and Genetics/Laboratory Corporation of America, LabCorp
Classification: Uncertain significance. Last evaluated: 2025-07-31. Review status: criteria provided, single submitter. Criteria: LabCorp Variant Classification Summary - May 2015. Collection method: clinical testing. Allele origin: germline.
Comment: Variant summary: ASL c.311C>T (p.Ala104Val) results in a non-conservative amino acid change located in the Argininosuccinate lyase domain (IPR009049) of the encoded protein sequence. Algorithms developed to predict the effect of missense changes on protein structure and function all suggest that this variant is likely to be disruptive. The variant was absent in 250540 control chromosomes. c.311C>T has been reported in the literature in compound heterozygous or homozygous individuals affected with Argininosuccinic Aciduria (Balmer_2014). These data indicate that the variant may be associated with disease. To our knowledge, no experimental evidence demonstrating an impact on protein function has been reported. The following publication has been ascertained in the context of this evaluation (PMID: 24166829). ClinVar contains an entry for this variant (Variation ID: 2678665). Based on the evidence outlined above, the variant was classified as VUS-possibly pathogenic.

Baylor Genetics
Classification: Likely pathogenic for Argininosuccinate lyase deficiency. Last evaluated: 2024-03-11. Review status: criteria provided, single submitter. Criteria: ACMG Guidelines, 2015. Collection method: clinical testing. Allele origin: unknown.

Labcorp Genetics (formerly Invitae), Labcorp
Classification: Likely pathogenic for Argininosuccinate lyase deficiency. Last evaluated: 2023-04-14. Review status: criteria provided, single submitter. Criteria: Invitae Variant Classification Sherloc (09022015). Collection method: clinical testing. Allele origin: germline.
Comment: In summary, the currently available evidence indicates that the variant is pathogenic, but additional data are needed to prove that conclusively. Therefore, this variant has been classified as Likely Pathogenic. Advanced modeling of protein sequence and biophysical properties (such as structural, functional, and spatial information, amino acid conservation, physicochemical variation, residue mobility, and thermodynamic stability) performed at Invitae indicates that this missense variant is expected to disrupt ASL protein function. This missense change has been observed in individuals with argininosuccinate lyase deficiency (PMID: 24166829). This variant is not present in population databases (gnomAD no frequency). This sequence change replaces alanine, which is neutral and non-polar, with valine, which is neutral and non-polar, at codon 104 of the ASL protein (p.Ala104Val).

Literature cited by the submitters: PubMed 32447331 (cited by Natera, Inc.); PubMed 24166829 (cited by 3 submitters).

NM_000048.4(ASL):c.311C>T (p.Ala104Val)

Gene: ASL (argininosuccinate lyase; plus strand). Cytogenetic location: 7q11.21.
Variant type: single nucleotide variant.
Coding change: c.311C>T on transcript NM_000048.4 (MANE Select); coding-DNA position 311, C replaced by T.
Protein change: p.Ala104Val; replaces alanine 104 with valine.
Molecular consequence: missense variant.
Genome position (GRCh38, 1-based): chr7:66,082,899, C>T. VCF-style: chr7-66082899-C-T. GRCh37 (hg19) VCF-style: chr7-65547886-C-T.
Other names: c.311C>T, p.Ala104Val (NM_001024943.2, NM_001024944.2, NM_001024946.2); c.311C>T (NM_000048.3); short protein forms A104V.
Identifiers: ClinVar variation 2678665 (VCV002678665.9), dbSNP rs2484997376, ClinGen allele CA367639185.